The following is an entry in ClinVar:

ClinVar aggregate classification (germline): Likely benign. Review status: criteria provided, multiple submitters, no conflicts (2 of 4 stars). 6 submissions from 6 submitters: Likely benign (4). 2 of the submissions do not count toward it. Last evaluated 2026-02-02.

Conditions:
Inborn genetic diseases. Identifiers: MedGen C0950123, MeSH D030342.
Glucose-6-phosphate transport defect (GSD1B). Also called: Glycogen Storage Disease Type Ib; GSD Ib. Identifiers: Orphanet 364, Orphanet 79259, MedGen C0268146, MONDO:0009288, OMIM 232220.
SLC37A4-related disorder. Also called: SLC37A4-related condition.
Phosphate transport defect (GSD1C). Also called: GSD Ic; GLYCOGEN STORAGE DISEASE Ic. Identifiers: Orphanet 364, Orphanet 79259, MedGen C0342749, OMIM 232240.
Congenital disorder of glycosylation, type IIw. Identifiers: MedGen C5561986, MONDO:0030437, OMIM 619525.

Allele frequency attached by ClinVar (database versions not stated): gnomAD exomes 0.00007 and 0.00017; ExAC 0.00019; 1000 Genomes Project 0.00040; 1000 Genomes Project 30x 0.00047; ESP Exome Variant Server 0.00049; gnomAD 0.00050 and 0.00053; TOPMed 0.00054.

Submissions (6):

Labcorp Genetics (formerly Invitae), Labcorp
Classification: Likely benign for Glucose-6-phosphate transport defect. Last evaluated: 2026-02-02. Review status: criteria provided, single submitter. Criteria: Invitae Variant Classification Sherloc (09022015). Collection method: clinical testing. Allele origin: germline.

Blueprint Genetics
Classification: Likely benign. Last evaluated: 2024-05-03. Review status: criteria provided, single submitter. Criteria: ACMG Guidelines, 2015. Collection method: clinical testing. Allele origin: germline.

Ambry Genetics
Classification: Likely benign for Inborn genetic diseases. Last evaluated: 2022-11-07. Review status: criteria provided, single submitter. Criteria: Ambry Variant Classification Scheme 2023. Collection method: clinical testing. Allele origin: germline.

Fulgent Genetics
Classification: Likely benign for Glucose-6-phosphate transport defect; Phosphate transport defect; Congenital disorder of glycosylation, type IIw. Last evaluated: 2022-01-12. Review status: criteria provided, single submitter. Criteria: ACMG Guidelines, 2015. Collection method: clinical testing. Allele origin: unknown.

Natera, Inc.
Classification: Likely benign for Glycogen storage disease type Ib. Last evaluated: 2020-09-16. Review status: no assertion criteria provided. Collection method: clinical testing. Allele origin: germline. Not counted in ClinVar's aggregate classification.

PreventionGenetics, part of Exact Sciences
Classification: Likely benign for SLC37A4-related condition. Last evaluated: 2019-11-27. Review status: no assertion criteria provided. Collection method: clinical testing. Allele origin: germline. Not counted in ClinVar's aggregate classification.
Comment: This variant is classified as likely benign based on ACMG/AMP sequence variant interpretation guidelines (Richards et al. 2015 PMID: 25741868, with internal and published modifications).

NM_001164277.2(SLC37A4):c.663G>A (p.Leu221=)

Gene: SLC37A4 (solute carrier family 37 member 4; minus strand). Cytogenetic location: 11q23.3.
Variant type: single nucleotide variant.
Coding change: c.663G>A on transcript NM_001164277.2 (MANE Select); coding-DNA position 663, G replaced by A.
Protein change: p.Leu221=; no amino-acid change (leucine 221 retained).
Molecular consequence: synonymous variant.
Genome position (GRCh38, 1-based): chr11:119,027,058, C>T on the plus strand (G>A on the coding strand, the complement: SLC37A4 is on the minus strand). VCF-style: chr11-119027058-C-T. GRCh37 (hg19) VCF-style: chr11-118897768-C-T.
Other names: c.663G>A, p.Leu221= (NM_001164278.2, NM_001164280.2, NM_001467.6); c.444G>A, p.Leu148= (NM_001164279.2); c.663G>A (NM_001467.5).
Identifiers: ClinVar variation 712904 (VCV000712904.17), dbSNP rs150083315, ClinGen allele CA6311760.